The following is an entry in ClinVar:

NM_004006.3(DMD):c.8203A>G (p.Met2735Val)

Gene: DMD (dystrophin; minus strand). Cytogenetic location: Xp21.1.
Variant type: single nucleotide variant.
Coding change: c.8203A>G on transcript NM_004006.3 (MANE Select); coding-DNA position 8203, A replaced by G.
Protein change: p.Met2735Val; replaces methionine 2735 with valine.
Molecular consequence: missense variant.
Genome position (GRCh38, 1-based): chrX:31,627,687, T>C on the plus strand (A>G on the coding strand, the complement: DMD is on the minus strand). VCF-style: chrX-31627687-T-C. GRCh37 (hg19) VCF-style: chrX-31645804-T-C.
Other names: NC_000023.10:g.31645804T>C; c.8179A>G, p.Met2727Val (NM_000109.4); c.8191A>G, p.Met2731Val (NM_004009.3); c.7834A>G, p.Met2612Val (NM_004010.3); c.4180A>G, p.Met1394Val (NM_004011.4); c.4171A>G, p.Met1391Val (NM_004012.4); c.823A>G, p.Met275Val (NM_004013.3, NM_004020.4, NM_004021.3 and 2 more transcripts); short protein forms M1394V, M2735V, M2727V, M275V, M1391V, M2612V, M2731V.
Identifiers: ClinVar variation 4487087 (VCV004487087.2).

ClinVar aggregate classification (germline): Uncertain significance (1 of 4 stars; one submission).

Conditions:
Cardiovascular phenotype. Identifiers: MedGen CN230736.

Submissions (2):

Ambry Genetics
Classification: Uncertain significance for Cardiovascular phenotype. Last evaluated: 2025-12-11. Review status: criteria provided, single submitter. Criteria: Ambry Variant Classification Scheme 2023. Collection method: clinical testing. Allele origin: germline.
Comment: The p.M2735V variant (also known as c.8203A>G), located in coding exon 55 of the DMD gene, results from an A to G substitution at nucleotide position 8203. The methionine at codon 2735 is replaced by valine, an amino acid with highly similar properties. This amino acid position is conserved. In addition, this alteration is predicted to be tolerated by in silico analysis. Based on the available evidence, the clinical significance of this variant remains unclear.

Dr. Peter K. Rogan Lab, Western University
No classification provided (evidence only). Condition: Nonpapillary renal cell carcinoma. Review status: no classification provided. Collection method: in vitro. Allele origin: not applicable. Functional consequence: retained intron. Not counted in ClinVar's aggregate classification.